The following is an entry in ClinVar:

ClinVar aggregate classification (germline): Pathogenic (1 of 4 stars; one submission).

Conditions:
Walker-Warburg congenital muscular dystrophy. Also called: Muscular dystrophy-dystroglycanopathy, type A; Walker-Warburg syndrome. Identifiers: Orphanet 899, MedGen C0265221, MONDO:0000171.

Submission:

Labcorp Genetics (formerly Invitae), Labcorp
Classification: Pathogenic for Walker-Warburg congenital muscular dystrophy. Last evaluated: 2023-04-18. Review status: criteria provided, single submitter. Criteria: Invitae Variant Classification Sherloc (09022015). Collection method: clinical testing. Allele origin: germline.
Comment: This sequence change creates a premature translational stop signal (p.Val99Cysfs*30) in the FKRP gene. While this is not anticipated to result in nonsense mediated decay, it is expected to disrupt the last 397 amino acid(s) of the FKRP protein. This variant is not present in population databases (gnomAD no frequency). This variant has not been reported in the literature in individuals affected with FKRP-related conditions. This variant disrupts a region of the FKRP protein in which other variant(s) (p.Ile478Thr) have been determined to be pathogenic (PMID: 16476814, 18639457, 19299310). This suggests that this is a clinically significant region of the protein, and that variants that disrupt it are likely to be disease-causing. For these reasons, this variant has been classified as Pathogenic.

Literature cited by the submitters: PubMed 16476814; PubMed 18639457; PubMed 19299310.

NM_024301.5(FKRP):c.295del (p.Val99fs)

Gene: FKRP (fukutin related protein; plus strand). Cytogenetic location: 19q13.32.
Variant type: Deletion.
Coding change: c.295del on transcript NM_024301.5 (MANE Select); coding-DNA position 295, one base deleted (G; older notation c.295delG).
Protein change: p.Val99fs; shifts the reading frame from valine 99.
Molecular consequence: frameshift variant.
Genome position (GRCh38, 1-based): chr19:46,755,745, G deleted. VCF-style (leftmost placement, unchanged base first): chr19-46755744-CG-C. GRCh37 (hg19) VCF-style: chr19-47259001-CG-C.
Other names: c.295del, p.Val99fs (NM_001039885.3); short protein forms V99fs.
Identifiers: ClinVar variation 2857371 (VCV002857371.3), dbSNP rs2513987082, ClinGen allele CA2739276926.